The following is an entry in ClinVar:

NM_014991.6(WDFY3):c.5605G>T (p.Val1869Leu)

Gene: WDFY3 (WD repeat and FYVE domain containing 3; minus strand). Cytogenetic location: 4q21.23.
Variant type: single nucleotide variant.
Coding change: c.5605G>T on transcript NM_014991.6 (MANE Select); coding-DNA position 5605, G replaced by T.
Protein change: p.Val1869Leu; replaces valine 1869 with leucine.
Molecular consequence: missense variant.
Genome position (GRCh38, 1-based): chr4:84,753,831, C>A on the plus strand (G>T on the coding strand, the complement: WDFY3 is on the minus strand). VCF-style: chr4-84753831-C-A. GRCh37 (hg19) VCF-style: chr4-85674984-C-A.
Other names: short protein forms V1869L.
Identifiers: ClinVar variation 1804277 (VCV001804277.1), dbSNP rs192243148, ClinGen allele CA357562222.
Genomic context (GRCh38, chr4:84,753,831, plus strand): 5'-ACATGGAGGCAAGGTCTGGCACGTTGTGATACAAATATCTGAAGAACTGCATCAGGGTCA[C>A]AGGATATTCTCGGAGCCAAGATCCCTCTTCTTCTGATTGCCAAGGCTGTTATGGGGACAT-3'
Protein context (NP_055806.2, residues 1859-1879): EEGSWLREYP[Val1869Leu]TLMQFFRYLY

ClinVar aggregate classification (germline): Uncertain significance (1 of 4 stars; one submission).

Submission:

GeneDx
Classification: Uncertain significance. Last evaluated: 2022-06-13. Review status: criteria provided, single submitter. Criteria: GeneDx Variant Classification Process June 2021. Collection method: clinical testing. Allele origin: germline. Affected: yes.
Comment: Not observed at significant frequency in large population cohorts (gnomAD); In silico analysis supports that this missense variant does not alter protein structure/function; Has not been previously published as pathogenic or benign to our knowledge